The following is an entry in ClinVar:

NM_024753.5(TTC21B):c.1860_1863del (p.Phe620fs)

Gene: TTC21B (tetratricopeptide repeat domain 21B; minus strand). Cytogenetic location: 2q24.3.
Variant type: Microsatellite.
Coding change: c.1860_1863del on transcript NM_024753.5 (MANE Select); coding-DNA positions 1860 to 1863, 4 bases deleted (TCTT; older notation c.1860_1863delTCTT).
Protein change: p.Phe620fs; shifts the reading frame from phenylalanine 620.
Molecular consequence: frameshift variant.
Genome position (GRCh38, 1-based): chr2:165,917,293-165,917,296, AAGA deleted on the plus strand (TCTT on the coding strand, the reverse complement: TTC21B is on the minus strand); deleting any 4 consecutive bases within chr2:165,917,293-165,917,300 gives the same sequence; the c. name uses the placement nearest the transcript's 3' end. VCF-style (leftmost placement, unchanged base first): chr2-165917292-CAAGA-C. GRCh37 (hg19) VCF-style: chr2-166773802-CAAGA-C.
Other names: short protein forms F620fs.
Identifiers: ClinVar variation 2143959 (VCV002143959.5), dbSNP rs1686210975, ClinGen allele CA1304800559.

ClinVar aggregate classification (germline): Pathogenic. Review status: criteria provided, multiple submitters, no conflicts (2 of 4 stars). 2 submissions from 2 submitters: Pathogenic (2). Last evaluated 2025-09-13.

Conditions:
Nephronophthisis 12 (NPHP12). Identifiers: Orphanet 655, MedGen C3151186, MONDO:0013442, OMIM 613820.
Jeune thoracic dystrophy. Also called: Jeune syndrome; Infantile thoracic dystrophy; Thoracic pelvic phalangeal dystrophy; Jeune's syndrome; Chondroectodermal dysplasia-like syndrome; Short-rib thoracic dysplasia. Identifiers: Orphanet 474, MedGen C0265275, MONDO:0018770.
Nephronophthisis. Also called: Juvenile Nephronophthisis. Identifiers: Orphanet 655, MedGen C0687120, MONDO:0019005, HP:0000090.

Submissions (2):

Labcorp Genetics (formerly Invitae), Labcorp
Classification: Pathogenic for Jeune thoracic dystrophy; Nephronophthisis. Last evaluated: 2025-09-13. Review status: criteria provided, single submitter. Criteria: Invitae Variant Classification Sherloc (09022015). Collection method: clinical testing. Allele origin: germline.
Comment: This sequence change creates a premature translational stop signal (p.Phe620Leufs*3) in the TTC21B gene. It is expected to result in an absent or disrupted protein product. Loss-of-function variants in TTC21B are known to be pathogenic (PMID: 18327258, 21068128, 21258341, 23559409, 24876116, 25492405, 27491411, 29068549). This variant is not present in population databases (gnomAD no frequency). This variant has not been reported in the literature in individuals affected with TTC21B-related conditions. Algorithms developed to predict the effect of sequence changes on RNA splicing suggest that this variant may disrupt the consensus splice site. For these reasons, this variant has been classified as Pathogenic.

Clinical Genetics Service, Universitary Hospital 12 de Octubre
Classification: Pathogenic for Nephronophthisis 12. Review status: criteria provided, single submitter. Criteria: ACMG Guidelines, 2015. Collection method: clinical testing. Allele origin: maternal. Affected: yes.

Literature cited by the submitters: PubMed 18327258 (cited by Labcorp Genetics (formerly Invitae), Labcorp); PubMed 21068128 (cited by Labcorp Genetics (formerly Invitae), Labcorp); PubMed 21258341 (cited by Labcorp Genetics (formerly Invitae), Labcorp); PubMed 23559409 (cited by Labcorp Genetics (formerly Invitae), Labcorp); PubMed 24876116 (cited by Labcorp Genetics (formerly Invitae), Labcorp); PubMed 25492405 (cited by Labcorp Genetics (formerly Invitae), Labcorp); PubMed 27491411 (cited by Labcorp Genetics (formerly Invitae), Labcorp); PubMed 29068549 (cited by Labcorp Genetics (formerly Invitae), Labcorp).